The following is an entry in ClinVar:

NM_006506.5(RASA2):c.2160= (p.Leu720=)

Gene: RASA2 (RAS p21 protein activator 2; plus strand). Cytogenetic location: 3q23.
Variant type: single nucleotide variant.
Coding change: c.2160= on transcript NM_006506.5 (MANE Select); coding-DNA position 2160, no change from the reference sequence.
Protein change: p.Leu720=; no amino-acid change (leucine 720 retained).
Molecular consequence: no sequence alteration.
Genome position: GRCh38 VCF-style: chr3-141608632-G-G. GRCh37 (hg19) VCF-style: chr3-141327474-G-G.
Other names: c.2163=, p.Leu721= (NM_001303245.3); c.2172=, p.Leu724= (NM_001303246.3).
Identifiers: ClinVar variation 496322 (VCV000496322.1), dbSNP rs295323.

ClinVar aggregate classification (germline): Benign (1 of 4 stars; one submission).

Allele frequency attached by ClinVar (database versions not stated): ESP Exome Variant Server 0.51569; TOPMed 0.52159; gnomAD 0.52396 and 0.53261; 1000 Genomes Project 30x 0.54200; 1000 Genomes Project 0.54952; gnomAD exomes 0.60330 and 0.60620; ExAC 0.60346.

Submission:

Women's Health and Genetics/Laboratory Corporation of America, LabCorp
Classification: Benign. Last evaluated: 2017-07-04. Review status: criteria provided, single submitter. Criteria: LabCorp Variant Classification Summary - May 2015. Collection method: clinical testing. Allele origin: germline.
Comment: Variant summary: The RASA2 c.2160A>G (p.Leu720Leu) variant involves the alteration of a non-conserved nucleotide, resulting in a synonymous change. Mutation taster predicts a benign outcome for this variant. 5/5 splice prediction tools predict no significant impact on normal splicing. ESE finder predicts that this variant may affect ESE site of SRp40. However, these predictions have yet to be confirmed by functional studies. This variant was found in 48062/121204 control chromosomes (10104 homozygotes) at a frequency of 0.3965381, which is approximately 79307 times the estimated maximal expected allele frequency of a pathogenic RASA2 variant (0.000005), suggesting this variant is a cmmon benign polymorphism. Based on the allele frequency of this variant in general population, it variant is classified as benign.